The following is an entry in ClinVar:

NM_001987.5(ETV6):c.1105C>T (p.Arg369Trp)

Genes: ETV6 (ETS variant transcription factor 6; plus strand), LOC126861452 (CDK7 strongly-dependent group 2 enhancer GRCh37_chr12:12037195-12038394; plus strand). Cytogenetic location: 12p13.2.
Variant type: single nucleotide variant.
Coding change: c.1105C>T on transcript NM_001987.5 (MANE Select); coding-DNA position 1105, C replaced by T.
Protein change: p.Arg369Trp; replaces arginine 369 with tryptophan.
Molecular consequence: missense variant.
Genome position (GRCh38, 1-based): chr12:11,884,540, C>T. VCF-style: chr12-11884540-C-T. GRCh37 (hg19) VCF-style: chr12-12037474-C-T.
Other names: short protein forms R369W.
Identifiers: ClinVar variation 626971 (VCV000626971.10), dbSNP rs1591749480, ClinGen allele CA384044682.

ClinVar aggregate classification (germline): Pathogenic/Likely pathogenic. Review status: criteria provided, multiple submitters, no conflicts (2 of 4 stars). 5 submissions from 5 submitters: Pathogenic (2); Likely pathogenic (2). 1 of the submissions does not count toward it. Last evaluated 2025-03-22.

Conditions:
Thrombocytopenia 5 (THC5). Also called: THROMBOCYTOPENIA 5 WITH INCREASED SUSCEPTIBILITY TO MALIGNANCY; THROMBOCYTOPENIA, AUTOSOMAL DOMINANT, 5. Identifiers: MedGen C4015537, MONDO:0014536, OMIM 616216.
Thrombocytopenia. Identifiers: MedGen C0040034, MeSH D013921, MONDO:0002049, HP:0001873.
ETV6-related disorders.

Submissions (5):

Labcorp Genetics (formerly Invitae), Labcorp
Classification: Likely pathogenic. Last evaluated: 2025-03-22. Review status: criteria provided, single submitter. Criteria: Invitae Variant Classification Sherloc (09022015). Collection method: clinical testing. Allele origin: germline.
Comment: This sequence change replaces arginine, which is basic and polar, with tryptophan, which is neutral and slightly polar, at codon 369 of the ETV6 protein (p.Arg369Trp). This variant is not present in population databases (gnomAD no frequency). This missense change has been observed in individual(s) with ETV6-related conditions (PMID: 26522332, 27365488, 31064749). It has also been observed to segregate with disease in related individuals. ClinVar contains an entry for this variant (Variation ID: 626971). Invitae Evidence Modeling of protein sequence and biophysical properties (such as structural, functional, and spatial information, amino acid conservation, physicochemical variation, residue mobility, and thermodynamic stability) indicates that this missense variant is expected to disrupt ETV6 protein function with a positive predictive value of 80%. Experimental studies have shown that this missense change affects ETV6 function (PMID: 32693409, 35586967). This variant disrupts the p.Arg369 amino acid residue in ETV6. Other variant(s) that disrupt this residue have been determined to be pathogenic (PMID: 25581430). This suggests that this residue is clinically significant, and that variants that disrupt this residue are likely to be disease-causing. In summary, the currently available evidence indicates that the variant is pathogenic, but additional data are needed to prove that conclusively. Therefore, this variant has been classified as Likely Pathogenic.

Clinical Genetics Laboratory, Skane University Hospital Lund
Classification: Pathogenic. Last evaluated: 2023-02-17. Review status: criteria provided, single submitter. Criteria: ACMG Guidelines, 2015. Collection method: clinical testing. Allele origin: germline. Affected: yes.

Blueprint Genetics
Classification: Pathogenic for ETV6-related disorders. Last evaluated: 2021-10-14. Review status: criteria provided, single submitter. Criteria: ACMG Guidelines, 2015. Collection method: clinical testing. Allele origin: de novo. Affected: yes. Observed: 3 variant alleles.

NIHR Bioresource Rare Diseases, University of Cambridge
Classification: Likely pathogenic for Thrombocytopenia. Last evaluated: 2019-02-01. Review status: criteria provided, single submitter. Criteria: ACMG Guidelines, 2015. Collection method: research. Allele origin: unknown. Affected: yes. Observed: 1 heterozygote. Study: ThromboGenomics.

ISTH-SSC Genomics in Thrombosis and Hemostasis, KU Leuven, Center for Molecular and Vascular Biology
Classification: Likely pathogenic for Thrombocytopenia 5. Review status: no assertion criteria provided. Collection method: research. Allele origin: unknown. Affected: yes. Not counted in ClinVar's aggregate classification.
Comment: Submitted to GoldVariant by Dr Karyn Mégy from NIHR Bioresource - Cambridge University, UK

Literature cited by the submitters: PubMed 26522332 (cited by Labcorp Genetics (formerly Invitae), Labcorp); PubMed 27365488 (cited by Labcorp Genetics (formerly Invitae), Labcorp); PubMed 31064749 (cited by Labcorp Genetics (formerly Invitae), Labcorp and NIHR Bioresource Rare Diseases, University of Cambridge); PubMed 32693409 (cited by Labcorp Genetics (formerly Invitae), Labcorp); PubMed 35586967 (cited by Labcorp Genetics (formerly Invitae), Labcorp); PubMed 25581430 (cited by Labcorp Genetics (formerly Invitae), Labcorp).